The following is an entry in ClinVar:

NM_006031.6(PCNT):c.1943C>T (p.Pro648Leu)

Gene: PCNT (pericentrin; plus strand). Cytogenetic location: 21q22.3.
Variant type: single nucleotide variant.
Coding change: c.1943C>T on transcript NM_006031.6 (MANE Select); coding-DNA position 1943, C replaced by T.
Protein change: p.Pro648Leu; replaces proline 648 with leucine.
Molecular consequence: missense variant.
Genome position (GRCh38, 1-based): chr21:46,356,980, C>T. VCF-style: chr21-46356980-C-T. GRCh37 (hg19) VCF-style: chr21-47776895-C-T.
Other names: c.1589C>T, p.Pro530Leu (NM_001315529.2); short protein forms P530L, P648L.
Identifiers: ClinVar variation 3348050 (VCV003348050.1).

ClinVar aggregate classification (germline): Uncertain significance (0 of 4 stars; one submission).

Conditions:
PCNT-related disorder. Also called: PCNT-related condition.

Submission:

PreventionGenetics, part of Exact Sciences
Classification: Uncertain significance for PCNT-related condition. Last evaluated: 2023-11-21. Review status: no assertion criteria provided. Collection method: clinical testing. Allele origin: germline.
Comment: The PCNT c.1943C>T variant is predicted to result in the amino acid substitution p.Pro648Leu. To our knowledge, this variant has not been reported in the literature or in a large population database, indicating this variant is rare. At this time, the clinical significance of this variant is uncertain due to the absence of conclusive functional and genetic evidence.